The following is an entry in ClinVar:

NM_000334.4(SCN4A):c.3774+9G>A

Genes: GH-LCR (growth hormone locus control region; plus strand), SCN4A (sodium voltage-gated channel alpha subunit 4; minus strand). Cytogenetic location: 17q23.3.
Variant type: single nucleotide variant.
Coding change: c.3774+9G>A on transcript NM_000334.4 (MANE Select); 9 bases into the intron after coding-DNA position 3774, G replaced by A.
Molecular consequence: intron variant.
Genome position (GRCh38, 1-based): chr17:63,944,998, C>T on the plus strand (G>A on the coding strand, the complement: SCN4A is on the minus strand). VCF-style: chr17-63944998-C-T. GRCh37 (hg19) VCF-style: chr17-62022358-C-T.
Identifiers: ClinVar variation 668298 (VCV000668298.4), dbSNP rs370756492, ClinGen allele CA8709166.

ClinVar aggregate classification (germline): Likely benign. Review status: criteria provided, multiple submitters, no conflicts (2 of 4 stars). 3 submissions from 3 submitters: Likely benign (3). Last evaluated 2025-09-06.

Conditions:
Hyperkalemic periodic paralysis. Also called: Familial hyperkalemic periodic paralysis; Gamstorp disease. Identifiers: Orphanet 682, MedGen C0238357, MONDO:0008224, OMIM 170500, HP:0007215.

Allele frequency attached by ClinVar (database versions not stated): ExAC 0.00001; gnomAD 0.00001; gnomAD exomes 0.00001 and 0.00002; TOPMed 0.00001; ESP Exome Variant Server 0.00008.
gnomAD v4.1: 26 of 1,613,478 alleles (0.0016%); highest among the groups gnomAD compares: Non-Finnish European, 0.0021%; no homozygotes.

Submissions (3):

Labcorp Genetics (formerly Invitae), Labcorp
Classification: Likely benign for Hyperkalemic periodic paralysis. Last evaluated: 2025-09-06. Review status: criteria provided, single submitter. Criteria: Invitae Variant Classification Sherloc (09022015). Collection method: clinical testing. Allele origin: germline.

Athena Diagnostics
Classification: Likely benign. Last evaluated: 2024-11-29. Review status: criteria provided, single submitter. Criteria: Athena Diagnostics Criteria. Collection method: clinical testing. Allele origin: unknown.

GeneDx
Classification: Likely benign. Last evaluated: 2018-05-10. Review status: criteria provided, single submitter. Criteria: GeneDx Variant Classification (06012015). Collection method: clinical testing. Allele origin: germline. Affected: yes.
Comment: This variant is considered likely benign or benign based on one or more of the following criteria: it is a conservative change, it occurs at a poorly conserved position in the protein, it is predicted to be benign by multiple in silico algorithms, and/or has population frequency not consistent with disease.